The following is an entry in ClinVar:

ClinVar aggregate classification (germline): Uncertain significance (1 of 4 stars; one submission).

Allele frequency attached by ClinVar (database versions not stated): ExAC 0.00002; gnomAD 0.00002; TOPMed 0.00002; ESP Exome Variant Server 0.00008; gnomAD exomes 0.00010.
gnomAD v4.1: 138 of 1,613,720 alleles (0.0086%); highest among the groups gnomAD compares: Non-Finnish European, 0.011%; no homozygotes.

Submission:

Labcorp Genetics (formerly Invitae), Labcorp
Classification: Uncertain significance. Last evaluated: 2022-07-19. Review status: criteria provided, single submitter. Criteria: Invitae Variant Classification Sherloc (09022015). Collection method: clinical testing. Allele origin: germline.
Comment: This sequence change replaces asparagine, which is neutral and polar, with aspartic acid, which is acidic and polar, at codon 284 of the MGME1 protein (p.Asn284Asp). This variant is present in population databases (rs370021658, gnomAD 0.007%). This variant has not been reported in the literature in individuals affected with MGME1-related conditions. Algorithms developed to predict the effect of missense changes on protein structure and function are either unavailable or do not agree on the potential impact of this missense change (SIFT: "Tolerated"; PolyPhen-2: "Probably Damaging"; Align-GVGD: "Class C0"). In summary, the available evidence is currently insufficient to determine the role of this variant in disease. Therefore, it has been classified as a Variant of Uncertain Significance.

NM_052865.4(MGME1):c.850A>G (p.Asn284Asp)

Gene: MGME1 (mitochondrial genome maintenance exonuclease 1; plus strand). Cytogenetic location: 20p11.23.
Variant type: single nucleotide variant.
Coding change: c.850A>G on transcript NM_052865.4 (MANE Select); coding-DNA position 850, A replaced by G.
Protein change: p.Asn284Asp; replaces asparagine 284 with aspartic acid.
Molecular consequence: missense variant. On other transcripts: intron variant (1).
Genome position (GRCh38, 1-based): chr20:17,988,284, A>G. VCF-style: chr20-17988284-A-G. GRCh37 (hg19) VCF-style: chr20-17968927-A-G.
Other names: c.895A>G, p.Asn299Asp (NM_001310338.2); c.610A>G, p.Asn204Asp (NM_001363738.2); c.512-1655A>G (NM_001310339.2); short protein forms N204D, N284D, N299D.
Identifiers: ClinVar variation 2176837 (VCV002176837.1), dbSNP rs370021658, ClinGen allele CA9775052.
Genomic context (GRCh38, chr20:17,988,284, plus strand): 5'-AGTACATTTGACAACCCACTGCAAGTTGTGGCATACATGGGTGCCATGAACCATGATACC[A>G]ACTACAGCTTTCAGGTCAGGACACTGAGCCTTTACTTAAAGCTTTGCTCAATGCTTACTT-3'
Protein context (NP_443097.1, residues 274-294): AYMGAMNHDT[Asn284Asp]YSFQVQCGLI